The following is an entry in ClinVar:

NM_001005242.3(PKP2):c.819G>A (p.Pro273=)

Gene: PKP2 (plakophilin 2; minus strand). Cytogenetic location: 12p11.21.
Variant type: single nucleotide variant.
Coding change: c.819G>A on transcript NM_001005242.3 (MANE Select); coding-DNA position 819, G replaced by A.
Protein change: p.Pro273=; no amino-acid change (proline 273 retained).
Molecular consequence: synonymous variant.
Genome position (GRCh38, 1-based): chr12:32,878,061, C>T on the plus strand (G>A on the coding strand, the complement: PKP2 is on the minus strand). VCF-style: chr12-32878061-C-T. GRCh37 (hg19) VCF-style: chr12-33030995-C-T.
Other names: p.Pro273=; c.819G>A, p.Pro273= (NM_004572.4); c.819G>A (NM_001005242.2).
Identifiers: ClinVar variation 45086 (VCV000045086.35), dbSNP rs3748279, ClinGen allele CA012514.
Genomic context (GRCh38, chr12:32,878,061, plus strand): 5'-GCTCTGATGCCAGGAGGACCTGGAAGCCCTGTTCTGAGTGACGGGCTGCAGGGGCACCAG[C>T]GGCCTGACCTGCCCGACAGTGAGCCCTGCCGTCAGGTAGTTCTCCTTCTCCAAGAGGTTG-3'
Protein context (NP_001005242.2, residues 263-283): TAGLTVGQVR[Pro273=]LVPLQPVTQN

ClinVar aggregate classification (germline): Benign. Review status: criteria provided, multiple submitters, no conflicts (2 of 4 stars). 13 submissions from 13 submitters: Benign (11). 2 of the submissions do not count toward it. Last evaluated 2026-02-04.

Conditions:
Cardiovascular phenotype. Identifiers: MedGen CN230736.
Arrhythmogenic right ventricular cardiomyopathy (ARVD). Also called: Arrhythmogenic right ventricular dysplasia; Arrhythmogenic cardiomyopathy; Arrhythmogenic Right Ventricular Cardiomyopathy (ARVC); Cardiomyopathy, ARVC. Identifiers: Orphanet 247, MedGen C0349788, MeSH D019571, MONDO:0016587. Disease mechanism: loss of function. Inheritance: Various modes of inheritance.
Cardiomyopathy (CMYO). Also called: Cardiomyopathies. Identifiers: Orphanet 167848, MedGen C0878544, MONDO:0004994, HP:0001638. Inheritance: Various modes of inheritance.
Arrhythmogenic right ventricular dysplasia 9 (ARVD9). Also called: ARRHYTHMOGENIC RIGHT VENTRICULAR DYSPLASIA, FAMILIAL, 9; Arrhythmogenic Right Ventricular Dysplasia/Cardiomyopathy 9. Identifiers: MedGen C1836906, MONDO:0012180, OMIM 609040.

Allele frequency attached by ClinVar (database versions not stated): TOPMed 0.00456; 1000 Genomes Project 30x 0.01733; 1000 Genomes Project 0.01877; gnomAD 0.00266 and 0.00376; ESP Exome Variant Server 0.00008.
gnomAD v4.1: 4,431 of 1,613,946 alleles (0.27%); highest among the groups gnomAD compares: East Asian, 8.8%; 209 homozygotes.

Submissions (13):

Labcorp Genetics (formerly Invitae), Labcorp
Classification: Benign for Arrhythmogenic right ventricular dysplasia 9. Last evaluated: 2026-02-04. Review status: criteria provided, single submitter. Criteria: Invitae Variant Classification Sherloc (09022015). Collection method: clinical testing. Allele origin: germline.

Molecular Diagnostic Laboratory for Inherited Cardiovascular Disease, Montreal Heart Institute
Classification: Benign. Last evaluated: 2025-04-09. Review status: criteria provided, single submitter. Criteria: ACMG Guidelines, 2015. Collection method: clinical testing. Allele origin: germline. Affected: no.

All of Us Research Program, National Institutes of Health
Classification: Benign for Arrhythmogenic right ventricular cardiomyopathy. Last evaluated: 2024-02-05. Review status: criteria provided, single submitter. Criteria: ACMG Guidelines, 2015. Collection method: clinical testing. Allele origin: germline. Inheritance: Autosomal dominant inheritance. Observed: 613 variant alleles, 593 heterozygotes, 20 homozygotes.
Comment: This study involves interpretation of variants in research participants for the purpose of population health screening. Participant phenotype was not available at the time of variant classification. Additional details can be found in publication PMID: 35346344, PMCID: PMC8962531

Color Diagnostics, LLC DBA Color Health
Classification: Benign for Cardiomyopathy. Last evaluated: 2018-03-13. Review status: criteria provided, single submitter. Criteria: ACMG Guidelines, 2015. Collection method: clinical testing. Allele origin: germline.

Illumina Laboratory Services, Illumina
Classification: Benign for Arrhythmogenic right ventricular dysplasia 9. Last evaluated: 2018-01-12. Review status: criteria provided, single submitter. Criteria: ICSL Variant Classification Criteria 13 December 2019. Collection method: clinical testing. Allele origin: germline.
Comment: This variant was observed in the ICSL laboratory as part of a predisposition screen in an ostensibly healthy population. It had not been previously curated by ICSL or reported in the Human Gene Mutation Database (HGMD: prior to June 1st, 2018), and was therefore a candidate for classification through an automated scoring system. Utilizing variant allele frequency, disease prevalence and penetrance estimates, and inheritance mode, an automated score was calculated to assess if this variant is too frequent to cause the disease. Based on the score and internal cut-off values, a variant classified as benign is not then subjected to further curation. The score for this variant resulted in a classification of benign for this disease.

Mayo Clinic Laboratories, Mayo Clinic
Classification: Benign. Last evaluated: 2016-02-17. Review status: criteria provided, single submitter. Criteria: ACMG Guidelines, 2015. Collection method: clinical testing. Allele origin: germline. Observed: 3 variant alleles.

Clinical Genetics DNA and cytogenetics Diagnostics Lab, Erasmus MC, Erasmus Medical Center
Classification: Benign for Arrhythmogenic right ventricular dysplasia 9. Last evaluated: 2015-09-21. Review status: criteria provided, single submitter. Criteria: ACGS Guidelines, 2013. Collection method: clinical testing. Allele origin: germline. Affected: yes. Study: VKGL Data-share Consensus.

GeneDx
Classification: Benign. Last evaluated: 2015-03-03. Review status: criteria provided, single submitter. Criteria: GeneDx Variant Classification Process June 2021. Collection method: clinical testing. Allele origin: germline. Affected: yes.

Ambry Genetics
Classification: Benign for Cardiovascular phenotype. Last evaluated: 2014-12-08. Review status: criteria provided, single submitter. Criteria: Ambry Variant Classification Scheme 2023. Collection method: clinical testing. Allele origin: germline.

Laboratory for Molecular Medicine, Mass General Brigham Personalized Medicine
Classification: Benign. Last evaluated: 2009-02-10. Review status: criteria provided, single submitter. Criteria: LMM Criteria. Collection method: clinical testing. Allele origin: germline. Observed: 21 variant alleles.

Breakthrough Genomics
Classification: Benign. Review status: criteria provided, single submitter. Criteria: ACMG Guidelines, 2015. Collection method: not provided. Allele origin: germline. Inheritance: Autosomal dominant inheritance. Affected: yes.

Clinical Genetics, Academic Medical Center
Classification: Benign. Review status: no assertion criteria provided. Collection method: clinical testing. Allele origin: germline. Affected: yes. Study: VKGL Data-share Consensus. Not counted in ClinVar's aggregate classification.

Joint Genome Diagnostic Labs from Nijmegen and Maastricht, Radboudumc and MUMC+
Classification: Benign. Review status: no assertion criteria provided. Collection method: clinical testing. Allele origin: germline. Affected: yes. Study: VKGL Data-share Consensus. Not counted in ClinVar's aggregate classification.